The following is an entry in ClinVar:

ClinVar aggregate classification (germline): Uncertain significance (1 of 4 stars; one submission).

gnomAD v4.1: 2 of 1,606,632 alleles (0.00012%); highest among the groups gnomAD compares: Non-Finnish European, 0.00017%; no homozygotes.

Submission:

Labcorp Genetics (formerly Invitae), Labcorp
Classification: Uncertain significance. Last evaluated: 2025-08-06. Review status: criteria provided, single submitter. Criteria: Invitae Variant Classification Sherloc (09022015). Collection method: clinical testing. Allele origin: germline.
Comment: This sequence change replaces histidine, which is basic and polar, with arginine, which is basic and polar, at codon 249 of the NAF1 protein (p.His249Arg). This variant is not present in population databases (gnomAD no frequency). This variant has not been reported in the literature in individuals affected with NAF1-related conditions. An algorithm developed to predict the effect of missense changes on protein structure and function (PolyPhen-2) suggests that this variant is likely to be tolerated. In summary, the available evidence is currently insufficient to determine the role of this variant in disease. Therefore, it has been classified as a Variant of Uncertain Significance.

NM_138386.3(NAF1):c.746A>G (p.His249Arg)

Gene: NAF1 (nuclear assembly factor 1 ribonucleoprotein; minus strand). Cytogenetic location: 4q32.2.
Variant type: single nucleotide variant.
Coding change: c.746A>G on transcript NM_138386.3 (MANE Select); coding-DNA position 746, A replaced by G.
Protein change: p.His249Arg; replaces histidine 249 with arginine.
Molecular consequence: missense variant.
Genome position (GRCh38, 1-based): chr4:163,140,355, T>C on the plus strand (A>G on the coding strand, the complement: NAF1 is on the minus strand). VCF-style: chr4-163140355-T-C. GRCh37 (hg19) VCF-style: chr4-164061507-T-C.
Other names: c.746A>G, p.His249Arg (NM_001128931.2); short protein forms H249R.
Identifiers: ClinVar variation 4709254 (VCV004709254.1).
Genomic context (GRCh38, chr4:163,140,355, plus strand): 5'-ATTTTAATACCTTTACTCTCAATGTGATCTGAAGAATTAAACCGTAACACATAAAATGGA[T>C]GTGCAACAGGTCCAAATATCTCGAATATCTGTAATAGAAACATAAAGGCCTCTTTTAACA-3'
Protein context (NP_612395.2, residues 239-259): KIFEIFGPVA[His249Arg]PFYVLRFNSS